The following is an entry in ClinVar:

ClinVar aggregate classification (germline): Uncertain significance (1 of 4 stars; one submission).

Allele frequency attached by ClinVar (database versions not stated): gnomAD exomes below 0.00001.
gnomAD v4.1: 1 of 1,610,156 alleles (0.000062%); highest among the groups gnomAD compares: Non-Finnish European, 0.000085%; no homozygotes.

Submission:

GeneDx
Classification: Uncertain significance. Last evaluated: 2021-06-22. Review status: criteria provided, single submitter. Criteria: GeneDx Variant Classification Process June 2021. Collection method: clinical testing. Allele origin: germline. Affected: yes.
Comment: Not observed at significant frequency in large population cohorts (Lek et al., 2016); In silico analysis supports that this missense variant has a deleterious effect on protein structure/function; Has not been previously published as pathogenic or benign to our knowledge; This variant is associated with the following publications: (PMID: 27535533)

NM_001366145.2(TRPM3):c.3610C>T (p.His1204Tyr)

Genes: KLF9-DT (KLF9 divergent transcript; plus strand), TRPM3 (transient receptor potential cation channel subfamily M member 3; minus strand). Cytogenetic location: 9q21.12.
Variant type: single nucleotide variant.
Coding change: c.3610C>T on transcript NM_001366145.2 (MANE Select); coding-DNA position 3610, C replaced by T.
Protein change: p.His1204Tyr; replaces histidine 1204 with tyrosine.
Molecular consequence: missense variant.
Genome position (GRCh38, 1-based): chr9:70,549,639, G>A on the plus strand (C>T on the coding strand, the complement: TRPM3 is on the minus strand). VCF-style: chr9-70549639-G-A. GRCh37 (hg19) VCF-style: chr9-73164555-G-A.
Other names: c.3574C>T, p.His1192Tyr (NM_001007471.4, NM_001366151.2); c.3580C>T, p.His1194Tyr (NM_001366141.2, NM_001366143.2, NM_001366149.2); c.3616C>T, p.His1206Tyr (NM_001366142.2); c.3610C>T, p.His1204Tyr (NM_001366146.2); c.3685C>T, p.His1229Tyr (NM_001366147.2, NM_001366152.2); c.3655C>T, p.His1219Tyr (NM_001366148.2); c.3544C>T, p.His1182Tyr (NM_001366150.2); c.3151C>T, p.His1051Tyr (NM_001366154.2, NM_024971.7); and 5 more; short protein forms H1029Y, H1039Y, H1041Y, H1051Y, H1054Y, H1064Y, H1182Y, H1192Y.
Identifiers: ClinVar variation 1329514 (VCV001329514.2), dbSNP rs2131814076, ClinGen allele CA373553382.
Genomic context (GRCh38, chr9:70,549,639, plus strand): 5'-AGTTGAACCGATCATCCTTTTCTCTGAAGTATTCTTCTATGCATTGCTCTTCAAAGTCAT[G>A]TACTTTCTTGAGCTCATCATCGGTTATGAAGAGTTCTGTGGAAAAAAAAAAAAAGGAAGT-3'
Protein context (NP_001353074.1, residues 1194-1214): FITDDELKKV[His1204Tyr]DFEEQCIEEY